The following is an entry in ClinVar:

ClinVar aggregate classification (germline): Likely pathogenic (1 of 4 stars; one submission).

Conditions:
X-linked Alport syndrome (ATS1). Also called: NEPHROPATHY AND DEAFNESS, X-LINKED; COL4A5-Related Nephropathy. Identifiers: Orphanet 63, Orphanet 88917, MedGen C4746986, MONDO:0010520, OMIM 301050.

Submission:

3billion
Classification: Likely pathogenic for X-linked Alport syndrome. Last evaluated: 2023-08-06. Review status: criteria provided, single submitter. Criteria: ACMG Guidelines, 2015. Collection method: clinical testing. Allele origin: germline. Affected: yes.
Comment: The variant is not observed in the gnomAD v2.1.1 dataset. Predicted Consequence/Location: Stop-gained (nonsense): predicted to result in a loss or disruption of normal protein function through nonsense-mediated decay (NMD) or protein truncation. Multiple pathogenic variants are reported downstream of the variant. Therefore, this variant is classified as Likely pathogenic according to the recommendation of ACMG/AMP guideline.

NM_033380.3(COL4A5):c.4885G>T (p.Glu1629Ter)

Gene: COL4A5 (collagen type IV alpha 5 chain; plus strand). Cytogenetic location: Xq22.3.
Variant type: single nucleotide variant.
Coding change: c.4885G>T on transcript NM_033380.3 (MANE Select); coding-DNA position 4885, G replaced by T.
Protein change: p.Glu1629Ter; replaces glutamic acid 1629 with a stop codon.
Molecular consequence: nonsense.
Genome position (GRCh38, 1-based): chrX:108,695,330, G>T. VCF-style: chrX-108695330-G-T. GRCh37 (hg19) VCF-style: chrX-107938560-G-T.
Other names: c.4867G>T, p.Glu1623Ter (NM_000495.5); short protein forms E1623*, E1629*.
Identifiers: ClinVar variation 3775297 (VCV003775297.1).